The following is an entry in ClinVar:

NM_025099.6(CTC1):c.574A>G (p.Thr192Ala)

Gene: CTC1 (CST telomere replication complex component 1; minus strand). Cytogenetic location: 17p13.1.
Variant type: single nucleotide variant.
Coding change: c.574A>G on transcript NM_025099.6 (MANE Select); coding-DNA position 574, A replaced by G.
Protein change: p.Thr192Ala; replaces threonine 192 with alanine.
Molecular consequence: missense variant. On other transcripts: non-coding transcript variant (1).
Genome position (GRCh38, 1-based): chr17:8,238,104, T>C on the plus strand (A>G on the coding strand, the complement: CTC1 is on the minus strand). VCF-style: chr17-8238104-T-C. GRCh37 (hg19) VCF-style: chr17-8141422-T-C.
Other names: c.574A>G, p.Thr192Ala (NM_001411067.1); c.574A>G (NM_025099.5); short protein forms T192A.
Identifiers: ClinVar variation 2720905 (VCV002720905.4), dbSNP rs915437353, ClinGen allele CA287539035.

ClinVar aggregate classification (germline): Uncertain significance. Review status: criteria provided, single submitter (1 of 4 stars). 2 submissions from 2 submitters: Uncertain significance (1). 1 of the submissions does not count toward it. Last evaluated 2023-04-27.

Conditions:
Dyskeratosis congenita. Identifiers: Orphanet 1775, MedGen C0265965, MONDO:0015780.
CTC1-related disorder. Also called: CTC1-related condition.

Allele frequency attached by ClinVar (database versions not stated): gnomAD exomes below 0.00001; gnomAD 0.00001; TOPMed 0.00002.
gnomAD v4.1: 3 of 1,613,920 alleles (0.00019%); highest among the groups gnomAD compares: African/African-American, 0.004%; no homozygotes.

Submissions (2):

Labcorp Genetics (formerly Invitae), Labcorp
Classification: Uncertain significance for Dyskeratosis congenita. Last evaluated: 2023-04-27. Review status: criteria provided, single submitter. Criteria: Invitae Variant Classification Sherloc (09022015). Collection method: clinical testing. Allele origin: germline.
Comment: In summary, the available evidence is currently insufficient to determine the role of this variant in disease. Therefore, it has been classified as a Variant of Uncertain Significance. Algorithms developed to predict the effect of missense changes on protein structure and function output the following: SIFT: "Not Available"; PolyPhen-2: "Benign"; Align-GVGD: "Not Available". The alanine amino acid residue is found in multiple mammalian species, which suggests that this missense change does not adversely affect protein function. This variant has not been reported in the literature in individuals affected with CTC1-related conditions. This variant is not present in population databases (gnomAD no frequency). This sequence change replaces threonine, which is neutral and polar, with alanine, which is neutral and non-polar, at codon 192 of the CTC1 protein (p.Thr192Ala).

PreventionGenetics, part of Exact Sciences
Classification: Uncertain significance for CTC1-related condition. Last evaluated: 2024-06-10. Review status: no assertion criteria provided. Collection method: clinical testing. Allele origin: germline. Not counted in ClinVar's aggregate classification.
Comment: The CTC1 c.574A>G variant is predicted to result in the amino acid substitution p.Thr192Ala. To our knowledge, this variant has not been reported in the literature or in a large population database, indicating this variant is rare. At this time, the clinical significance of this variant is uncertain due to the absence of conclusive functional and genetic evidence.